The following is an entry in ClinVar:

NM_000400.4(ERCC2):c.1052A>C (p.Gln351Pro)

Gene: ERCC2 (ERCC excision repair 2, TFIIH core complex helicase subunit; minus strand). Cytogenetic location: 19q13.32.
Variant type: single nucleotide variant.
Coding change: c.1052A>C on transcript NM_000400.4 (MANE Select); coding-DNA position 1052, A replaced by C.
Protein change: p.Gln351Pro; replaces glutamine 351 with proline.
Molecular consequence: missense variant.
Genome position (GRCh38, 1-based): chr19:45,363,809, T>G on the plus strand (A>C on the coding strand, the complement: ERCC2 is on the minus strand). VCF-style: chr19-45363809-T-G. GRCh37 (hg19) VCF-style: chr19-45867067-T-G.
Other names: c.980A>C, p.Gln327Pro (NM_001130867.2); short protein forms Q327P, Q351P.
Identifiers: ClinVar variation 3231614 (VCV003231614.1), dbSNP rs2514028578, ClinGen allele CA406372467.

ClinVar aggregate classification (germline): Uncertain significance (1 of 4 stars; one submission).

Conditions:
Inborn genetic diseases. Identifiers: MedGen C0950123, MeSH D030342.

Submission:

Ambry Genetics
Classification: Uncertain significance for Inborn genetic diseases. Last evaluated: 2023-11-21. Review status: criteria provided, single submitter. Criteria: Ambry Variant Classification Scheme 2023. Collection method: clinical testing. Allele origin: germline.
Comment: The p.Q351P variant (also known as c.1052A>C), located in coding exon 11 of the ERCC2 gene, results from an A to C substitution at nucleotide position 1052. The glutamine at codon 351 is replaced by proline, an amino acid with similar properties. This amino acid position is conserved. In addition, this alteration is predicted to be deleterious by in silico analysis. Since supporting evidence is limited at this time, the clinical significance of this alteration remains unclear.